The following is an entry in ClinVar:

ClinVar aggregate classification (germline): Uncertain significance. Review status: criteria provided, multiple submitters, no conflicts (2 of 4 stars). 4 submissions from 4 submitters: Uncertain significance (4). Last evaluated 2025-04-28.

Conditions:
POLG-related disorder. Also called: POLG-related condition; POLG-Related Disorders; POLG-Related Spectrum Disorders. Identifiers: MedGen C4763519.
Inborn genetic diseases. Identifiers: MedGen C0950123, MeSH D030342.
Progressive sclerosing poliodystrophy (MTDPS4A). Also called: Mitochondrial DNA depletion syndrome 4A (Alpers type); Alpers Syndrome; NEURONAL DEGENERATION OF CHILDHOOD WITH LIVER DISEASE, PROGRESSIVE; ALPERS PROGRESSIVE INFANTILE POLIODYSTROPHY; ALPERS DIFFUSE DEGENERATION OF CEREBRAL GRAY MATTER WITH HEPATIC CIRRHOSIS; Alpers-Huttenlocher Syndrome. Identifiers: Orphanet 726, MedGen C0205710, MONDO:0008758, OMIM 203700.

Allele frequency attached by ClinVar (database versions not stated): ExAC below 0.00001; gnomAD exomes 0.00001; TOPMed 0.00002.
gnomAD v4.1: 15 of 1,561,464 alleles (0.00096%); highest among the groups gnomAD compares: Non-Finnish European, 0.0013%; no homozygotes.

Submissions (4):

GeneDx
Classification: Uncertain significance. Last evaluated: 2025-04-28. Review status: criteria provided, single submitter. Criteria: GeneDx Variant Classification Process June 2021. Collection method: clinical testing. Allele origin: germline. Affected: yes.
Comment: Reported in the published literature in a patient with autonomic dysfunction, immune deficiencies, seizures, vision loss, and balance problems (PMID: 23596069); Not observed at significant frequency in large population cohorts (gnomAD); In silico analysis supports that this missense variant has a deleterious effect on protein structure/function; This variant is associated with the following publications: (PMID: 32347949, 23596069)

PreventionGenetics, part of Exact Sciences
Classification: Uncertain significance for POLG-related condition. Last evaluated: 2025-02-13. Review status: criteria provided, single submitter. Criteria: ACMG Guidelines, 2015. Collection method: clinical testing. Allele origin: germline.
Comment: The POLG c.488C>T variant is predicted to result in the amino acid substitution p.Pro163Leu. To our knowledge, this variant has not been reported in the literature. This variant is reported in 0.0014% of alleles in individuals of European (Non-Finnish) descent in gnomAD. At this time, the clinical significance of this variant is uncertain due to the absence of conclusive functional and genetic evidence.

Labcorp Genetics (formerly Invitae), Labcorp
Classification: Uncertain significance for Progressive sclerosing poliodystrophy. Last evaluated: 2024-01-08. Review status: criteria provided, single submitter. Criteria: Invitae Variant Classification Sherloc (09022015). Collection method: clinical testing. Allele origin: germline.
Comment: This sequence change replaces proline, which is neutral and non-polar, with leucine, which is neutral and non-polar, at codon 163 of the POLG protein (p.Pro163Leu). This variant is present in population databases (rs752892262, gnomAD 0.001%). This variant has not been reported in the literature in individuals affected with POLG-related conditions. ClinVar contains an entry for this variant (Variation ID: 206579). Advanced modeling of protein sequence and biophysical properties (such as structural, functional, and spatial information, amino acid conservation, physicochemical variation, residue mobility, and thermodynamic stability) performed at Invitae indicates that this missense variant is expected to disrupt POLG protein function with a positive predictive value of 95%. In summary, the available evidence is currently insufficient to determine the role of this variant in disease. Therefore, it has been classified as a Variant of Uncertain Significance.

Ambry Genetics
Classification: Uncertain significance for Inborn genetic diseases. Last evaluated: 2021-12-07. Review status: criteria provided, single submitter. Criteria: Ambry Variant Classification Scheme 2023. Collection method: clinical testing. Allele origin: germline.
Comment: (Lieber, 2013) Based on insufficient or conflicting evidence, the clinical significance of this alteration remains unclear.

Literature cited by the submitters: PubMed 23596069 (cited by Ambry Genetics).

NM_002693.3(POLG):c.488C>T (p.Pro163Leu)

Genes: POLG (DNA polymerase gamma, catalytic subunit; minus strand), POLGARF (POLG alternative reading frame; minus strand). Cytogenetic location: 15q26.1.
Variant type: single nucleotide variant.
Coding change: c.488C>T on transcript NM_002693.3 (MANE Select); coding-DNA position 488, C replaced by T.
Protein change: p.Pro163Leu; replaces proline 163 with leucine.
Molecular consequence: missense variant.
Genome position (GRCh38, 1-based): chr15:89,333,267, G>A on the plus strand (C>T on the coding strand, the complement: POLG is on the minus strand). VCF-style: chr15-89333267-G-A. GRCh37 (hg19) VCF-style: chr15-89876498-G-A.
Other names: p.P163L:CCC>CTC; c.488C>T, p.Pro163Leu (NM_001126131.2); short protein forms P163L.
Identifiers: ClinVar variation 206579 (VCV000206579.11), dbSNP rs752892262, ClinGen allele CA316802.